The following is an entry in ClinVar:

NM_130839.5(UBE3A):c.769C>T (p.Leu257Phe)

Genes: SNHG14 (small nucleolar RNA host gene 14; plus strand), UBE3A (ubiquitin protein ligase E3A; minus strand). Cytogenetic location: 15q11.2.
Variant type: single nucleotide variant.
Coding change: c.769C>T on transcript NM_130839.5 (MANE Select); coding-DNA position 769, C replaced by T.
Protein change: p.Leu257Phe; replaces leucine 257 with phenylalanine.
Molecular consequence: missense variant. On other transcripts: non-coding transcript variant (1), intron variant (2).
Genome position (GRCh38, 1-based): chr15:25,371,405, G>A on the plus strand (C>T on the coding strand, the complement: UBE3A is on the minus strand). VCF-style: chr15-25371405-G-A. GRCh37 (hg19) VCF-style: chr15-25616552-G-A.
Other names: c.709C>T, p.Leu237Phe (NM_001374461.1, NM_130838.4, NM_001354539.2 and 17 more transcripts); c.301+4060C>T (NM_001354551.2); c.361+4060C>T (NM_001354550.2); c.769C>T, p.Leu257Phe (NM_001354545.2, NM_001354538.2, NM_001354505.1); c.592C>T, p.Leu198Phe (NM_001354546.2); c.778C>T, p.Leu260Phe (NM_000462.5); short protein forms L198F, L237F, L257F, L260F.
Identifiers: ClinVar variation 4855271 (VCV004855271.1).
Genomic context (GRCh38, chr15:25,371,405, plus strand): 5'-CTCGAGAGTATACATTGTGATACGTCAAGTCACATTCCACGTTAGGTGACAAATATACAA[G>A]TGCATTGAGAAAGGCAGTTTCAATTTTTTCATTAGAGAGCAATCTGGTGTAGACCCTTCT-3'
Protein context (NP_570854.1, residues 247-267): EKIETAFLNA[Leu257Phe]VYLSPNVECD

ClinVar aggregate classification (germline): Uncertain significance (1 of 4 stars; one submission).

Conditions:
Angelman syndrome (AS). Also called: HAPPY PUPPET SYNDROME. Identifiers: Orphanet 72, MedGen C0162635, MONDO:0007113, OMIM 105830. Disease mechanism: loss of function. Inheritance: AS is caused by disruption of maternally imprinted UBE3A located within the 15q11.2-q13 Angelman syndrome/Prader-Willi syndrome (AS/PWS) region., imprinting disorder.

Submission:

3billion
Classification: Uncertain significance for Angelman syndrome. Last evaluated: 2025-06-10. Review status: criteria provided, single submitter. Criteria: ACMG Guidelines, 2015. Collection method: clinical testing. Allele origin: germline. Affected: yes.
Comment: The variant is not observed in the gnomAD v4.1.0 dataset. Predicted Consequence/Location: Missense variant In silico tool predictions suggest damaging effect of the variant on gene or gene product [3Cnet: 0.99 (> 0.75, sensitivity 0.96 and precision 0.92)]. Different missense changes at the same codon (p.Leu257His, p.Leu257Pro) have been reported as pathogenic/likely pathogenic with strong evidence (ClinVar ID: VCV000136205, VCV000155995 /PMID: 25212744). Therefore, this variant is classified as VUS according to the recommendation of ACMG/AMP guideline.

Literature cited by the submitters: PubMed 25212744.